The following is an entry in ClinVar:

NM_003482.4(KMT2D):c.836dup (p.Cys279fs)

Gene: KMT2D (lysine methyltransferase 2D; minus strand). Cytogenetic location: 12q13.12.
Variant type: Duplication.
Coding change: c.836dup on transcript NM_003482.4 (MANE Select); coding-DNA position 836, one base duplicated (G; older notation c.836dupG).
Protein change: p.Cys279fs; shifts the reading frame from cysteine 279.
Molecular consequence: frameshift variant.
Genome position (GRCh38, 1-based): chr12:49,053,479, C duplicated on the plus strand (G on the coding strand, the reverse complement: KMT2D is on the minus strand). VCF-style (leftmost placement, unchanged base first): chr12-49053478-G-GC. GRCh37 (hg19) VCF-style: chr12-49447261-G-GC.
Other names: short protein forms C279fs.
Identifiers: ClinVar variation 211332 (VCV000211332.9), dbSNP rs797045670, ClinGen allele CA277409.

ClinVar aggregate classification (germline): Pathogenic. Review status: criteria provided, multiple submitters, no conflicts (2 of 4 stars). 2 submissions from 2 submitters: Pathogenic (2). Last evaluated 2023-12-05.

Conditions:
Kabuki syndrome. Also called: NIIKAWA-KUROKI SYNDROME; Kabuki make-up syndrome. Identifiers: Orphanet 2322, MedGen C0796004, MONDO:0016512.
Kabuki syndrome 1 (KABUK1). Also called: KMT2D-Related Kabuki Syndrome. Identifiers: Orphanet 2322, MedGen CN030661, MONDO:0007843, OMIM 147920.

Submissions (2):

Labcorp Genetics (formerly Invitae), Labcorp
Classification: Pathogenic for Kabuki syndrome. Last evaluated: 2023-12-05. Review status: criteria provided, single submitter. Criteria: Invitae Variant Classification Sherloc (09022015). Collection method: clinical testing. Allele origin: germline.
Comment: This sequence change creates a premature translational stop signal (p.Cys279Trpfs*7) in the KMT2D gene. It is expected to result in an absent or disrupted protein product. Loss-of-function variants in KMT2D are known to be pathogenic (PMID: 22126750). This variant is not present in population databases (gnomAD no frequency). This variant has not been reported in the literature in individuals affected with KMT2D-related conditions. ClinVar contains an entry for this variant (Variation ID: 211332). For these reasons, this variant has been classified as Pathogenic.

Genetic Services Laboratory, University of Chicago
Classification: Pathogenic for Kabuki syndrome 1. Last evaluated: 2013-02-08. Review status: criteria provided, single submitter. Criteria: ACMG Guidelines, 2007. Collection method: clinical testing. Allele origin: germline. Affected: yes.

Literature cited by the submitters: PubMed 22126750 (cited by Labcorp Genetics (formerly Invitae), Labcorp).